The following is an entry in ClinVar:

ClinVar aggregate classification (germline): Likely pathogenic (1 of 4 stars; one submission).

Conditions:
TTN-related disorder. Also called: TTN-related condition; TTN-related disease; TTN-related disorders.

Submission:

PreventionGenetics, part of Exact Sciences
Classification: Likely pathogenic for TTN-related condition. Last evaluated: 2023-09-01. Review status: criteria provided, single submitter. Criteria: ACMG Guidelines, 2015. Collection method: clinical testing. Allele origin: germline.
Comment: The TTN c.71747C>G variant is predicted to result in premature protein termination (p.Ser23916*). To our knowledge, this variant has not been reported in the literature or in a large population database, indicating this variant is rare. RNAseq studies from heart tissue indicate this exon is commonly included in TTN mRNA transcripts (PSI of 100%) (Roberts et al. 2015. PMID: 25589632). This variant is located A-band region of the TTN protein and truncating variants in this region are overrepresented in dilated cardiomyopathy (DCM) (Herman et al. 2012. PMID: 22335739). This variant is interpreted as likely pathogenic.

NM_001267550.2(TTN):c.71747C>G (p.Ser23916Ter)

Genes: TTN (titin; minus strand), TTN-AS1 (TTN antisense RNA 1; plus strand). Cytogenetic location: 2q31.2.
Variant type: single nucleotide variant.
Coding change: c.71747C>G on transcript NM_001267550.2 (MANE Select); coding-DNA position 71747, C replaced by G.
Protein change: p.Ser23916Ter; replaces serine 23916 with a stop codon.
Molecular consequence: nonsense.
Genome position (GRCh38, 1-based): chr2:178,574,385, G>C on the plus strand (C>G on the coding strand, the complement: TTN is on the minus strand). VCF-style: chr2-178574385-G-C. GRCh37 (hg19) VCF-style: chr2-179439112-G-C.
Other names: c.66824C>G, p.Ser22275Ter (NM_001256850.1); c.44552C>G, p.Ser14851Ter (NM_003319.4); c.64043C>G, p.Ser21348Ter (NM_133378.4); c.44927C>G, p.Ser14976Ter (NM_133432.3); c.45128C>G, p.Ser15043Ter (NM_133437.4); short protein forms S14851*, S14976*, S15043*, S21348*, S22275*, S23916*.
Identifiers: ClinVar variation 2631105 (VCV002631105.1), dbSNP rs1283305854, ClinGen allele CA349651123.